The following is an entry in ClinVar:

NM_001352754.2(ARMC9):c.895C>T (p.Arg299Ter)

Gene: ARMC9 (armadillo repeat containing 9; plus strand). Cytogenetic location: 2q37.1.
Variant type: single nucleotide variant.
Coding change: c.895C>T on transcript NM_001352754.2 (MANE Select); coding-DNA position 895, C replaced by T.
Protein change: p.Arg299Ter; replaces arginine 299 with a stop codon.
Molecular consequence: nonsense. On other transcripts: non-coding transcript variant (1).
Genome position (GRCh38, 1-based): chr2:231,256,601, C>T. VCF-style: chr2-231256601-C-T. GRCh37 (hg19) VCF-style: chr2-232121314-C-T.
Other names: c.895C>T, p.Arg299Ter (NM_001271466.4, NM_001291656.2, NM_001352755.2 and 3 more transcripts); c.796C>T, p.Arg266Ter (NM_001352757.2, NM_001352758.2); short protein forms R266*, R299*.
Identifiers: ClinVar variation 1453533 (VCV001453533.9), dbSNP rs754385274, ClinGen allele CA2160109.

ClinVar aggregate classification (germline): Pathogenic/Likely pathogenic. Review status: criteria provided, multiple submitters, no conflicts (2 of 4 stars). 3 submissions from 3 submitters: Pathogenic (2); Likely pathogenic (1). Last evaluated 2025-03-07.

Conditions:
ARMC9-related disorder. Also called: ARMC9-related condition.
Joubert syndrome 30. Identifiers: MedGen C4539937, MONDO:0033308, OMIM 617622.

Allele frequency attached by ClinVar (database versions not stated): gnomAD exomes 0.00001; ExAC 0.00002.
gnomAD v4.1: 14 of 1,613,916 alleles (0.00087%); highest among the groups gnomAD compares: East Asian, 0.0067%; no homozygotes.

Submissions (3):

Labcorp Genetics (formerly Invitae), Labcorp
Classification: Pathogenic. Last evaluated: 2025-03-07. Review status: criteria provided, single submitter. Criteria: Invitae Variant Classification Sherloc (09022015). Collection method: clinical testing. Allele origin: germline.
Comment: This sequence change creates a premature translational stop signal (p.Arg299*) in the ARMC9 gene. It is expected to result in an absent or disrupted protein product. Loss-of-function variants in ARMC9 are known to be pathogenic (PMID: 28625504). This variant is present in population databases (rs754385274, gnomAD 0.02%). This variant has not been reported in the literature in individuals affected with ARMC9-related conditions. ClinVar contains an entry for this variant (Variation ID: 1453533). For these reasons, this variant has been classified as Pathogenic.

Blueprint Genetics
Classification: Likely pathogenic for ARMC9-related disorders. Last evaluated: 2021-03-24. Review status: criteria provided, single submitter. Criteria: ACMG Guidelines, 2015. Collection method: clinical testing. Allele origin: germline. Affected: yes. Observed: 2 variant alleles.

Juno Genomics, Hangzhou Juno Genomics, Inc
Classification: Pathogenic for Joubert syndrome 30. Review status: criteria provided, single submitter. Criteria: ACMG Guidelines, 2015. Collection method: clinical testing. Allele origin: germline. Affected: yes.
Comment: Absent from controls (or at extremely low frequency if recessive) in Genome Aggregation Database, Exome Sequencing Project, 1000 Genomes Project, or Exome Aggregation Consortium.;Null variant in a gene where loss of function (LOF) is a known mechanism of disease.;Patient's phenotype or family history is highly specific for a disease with a single genetic etiology.

Literature cited by the submitters: PubMed 28625504 (cited by Labcorp Genetics (formerly Invitae), Labcorp).